The following is an entry in ClinVar:

ClinVar aggregate classification (germline): Uncertain significance (1 of 4 stars; one submission).

Conditions:
Epidermolysis bullosa simplex with nail dystrophy (EBS5D). Identifiers: MedGen C4225309, MONDO:0014661, OMIM 616487.
Epidermolysis bullosa simplex, Ogna type (EBS5A). Also called: Pidermolysis bullosa simplex 5A, Ogna type; EPIDERMOLYSIS BULLOSA SIMPLEX 5A, OGNA TYPE. Identifiers: Orphanet 79401, MedGen C0432317, MONDO:0007555, OMIM 131950.
Autosomal recessive limb-girdle muscular dystrophy type 2Q (LGMDR17). Also called: MUSCULAR DYSTROPHY, LIMB-GIRDLE, AUTOSOMAL RECESSIVE 17. Identifiers: Orphanet 254361, MedGen C3150989, MONDO:0013390, OMIM 613723.
Epidermolysis bullosa simplex 5B, with muscular dystrophy (EBS5B). Also called: EPIDERMOLYSIS BULLOSA SIMPLEX AND LIMB-GIRDLE MUSCULAR DYSTROPHY; Epidermolysis bullosa simplex with muscular dystrophy. Identifiers: Orphanet 257, MedGen C2931072, MONDO:0009181, OMIM 226670.
Epidermolysis bullosa simplex 5C, with pyloric atresia (EBS5C). Also called: PLEC-Related Epidermolysis Bullosa with Pyloric Atresia; Epidermolysis bullosa simplex with pyloric atresia; PLEC1-Related Epidermolysis Bullosa with Pyloric Atresia. Identifiers: Orphanet 158684, MedGen C2677349, MONDO:0012807, OMIM 612138.

Submission:

Labcorp Genetics (formerly Invitae), Labcorp
Classification: Uncertain significance for Autosomal recessive limb-girdle muscular dystrophy type 2Q; Epidermolysis bullosa simplex, Ogna type; Epidermolysis bullosa simplex with nail dystrophy; Epidermolysis bullosa simplex 5C, with pyloric atresia; Epidermolysis bullosa simplex 5B, with muscular dystrophy. Last evaluated: 2023-07-19. Review status: criteria provided, single submitter. Criteria: Invitae Variant Classification Sherloc (09022015). Collection method: clinical testing. Allele origin: germline.
Comment: In summary, the available evidence is currently insufficient to determine the role of this variant in disease. Therefore, it has been classified as a Variant of Uncertain Significance. Advanced modeling of protein sequence and biophysical properties (such as structural, functional, and spatial information, amino acid conservation, physicochemical variation, residue mobility, and thermodynamic stability) has been performed at Invitae for this missense variant, however the output from this modeling did not meet the statistical confidence thresholds required to predict the impact of this variant on PLEC protein function. This sequence change replaces serine, which is neutral and polar, with cysteine, which is neutral and slightly polar, at codon 4226 of the PLEC protein (p.Ser4226Cys). This variant is not present in population databases (gnomAD no frequency). This variant has not been reported in the literature in individuals affected with PLEC-related conditions.

NM_201384.3(PLEC):c.12596C>G (p.Ser4199Cys)

Gene: PLEC (plectin; minus strand). Cytogenetic location: 8q24.3.
Variant type: single nucleotide variant.
Coding change: c.12596C>G on transcript NM_201384.3 (MANE Select); coding-DNA position 12596, C replaced by G.
Protein change: p.Ser4199Cys; replaces serine 4199 with cysteine.
Molecular consequence: missense variant.
Genome position (GRCh38, 1-based): chr8:143,917,225, G>C on the plus strand (C>G on the coding strand, the complement: PLEC is on the minus strand). VCF-style: chr8-143917225-G-C. GRCh37 (hg19) VCF-style: chr8-144991393-G-C.
Other names: c.12677C>G, p.Ser4226Cys (NM_000445.5); c.9296C>G, p.Ser3099Cys (NM_001410941.1); c.12554C>G, p.Ser4185Cys (NM_201378.4); c.12530C>G, p.Ser4177Cys (NM_201379.3); c.13007C>G, p.Ser4336Cys (NM_201380.4); c.12500C>G, p.Ser4167Cys (NM_201381.3); c.12596C>G, p.Ser4199Cys (NM_201382.4); c.12608C>G, p.Ser4203Cys (NM_201383.3); short protein forms S3099C, S4185C, S4167C, S4177C, S4199C, S4203C, S4226C, S4336C.
Identifiers: ClinVar variation 2939419 (VCV002939419.3), dbSNP rs2539207387, ClinGen allele CA372480445.
Genomic context (GRCh38, chr8:143,917,225, plus strand): 5'-AGTGCCGAGCGGTCGATGAGGTTCTTGGCGATGGCATCATCGATGTCGTACTGGCGCCCG[G>C]AGCGGCGGTCGATGATCATGGACTTGACCACGCCGTCCGAGGAGGAGATGGTGATCTCCT-3'
Protein context (NP_958786.1, residues 4189-4209): VVKSMIIDRR[Ser4199Cys]GRQYDIDDAI